The following is an entry in ClinVar:

NM_001372066.1(TFAP2A):c.155A>G (p.Asn52Ser)

Gene: TFAP2A (transcription factor AP-2 alpha; minus strand). Cytogenetic location: 6p24.3.
Variant type: single nucleotide variant.
Coding change: c.155A>G on transcript NM_001372066.1 (MANE Select); coding-DNA position 155, A replaced by G.
Protein change: p.Asn52Ser; replaces asparagine 52 with serine.
Molecular consequence: missense variant.
Genome position (GRCh38, 1-based): chr6:10,410,232, T>C on the plus strand (A>G on the coding strand, the complement: TFAP2A is on the minus strand). VCF-style: chr6-10410232-T-C. GRCh37 (hg19) VCF-style: chr6-10410465-T-C.
Other names: NM_003220.2:c.149A>G; c.131A>G, p.Asn44Ser (NM_001032280.3); c.137A>G, p.Asn46Ser (NM_001042425.3); short protein forms N44S, N46S, N52S.
Identifiers: ClinVar variation 1254071 (VCV001254071.12), dbSNP rs527785340, ClinGen allele CA3631396.

ClinVar aggregate classification (germline): Conflicting classifications of pathogenicity. Review status: criteria provided, conflicting classifications (1 of 4 stars). 3 submissions from 3 submitters: Uncertain significance (2); Likely benign (1). Last evaluated 2025-07-11.

Conditions:
TFAP2A-related disorder. Also called: TFAP2A-related condition.

Allele frequency attached by ClinVar (database versions not stated): ExAC 0.00005; gnomAD exomes 0.00007; gnomAD 0.00011; TOPMed 0.00012; 1000 Genomes Project 0.00060; 1000 Genomes Project 30x 0.00062.
gnomAD v4.1: 43 of 483,364 alleles (0.0089%); highest among the groups gnomAD compares: East Asian, 0.11%; no homozygotes.

Submissions (3):

PreventionGenetics, part of Exact Sciences
Classification: Likely benign for TFAP2A-related condition. Last evaluated: 2025-07-11. Review status: criteria provided, single submitter. Criteria: ACMG Guidelines, 2015. Collection method: clinical testing. Allele origin: germline.
Comment: This variant is classified as likely benign based on ACMG/AMP sequence variant interpretation guidelines (Richards et al. 2015 PMID: 25741868, with internal and published modifications).

GeneDx
Classification: Uncertain significance. Last evaluated: 2025-03-04. Review status: criteria provided, single submitter. Criteria: GeneDx Variant Classification Process June 2021. Collection method: clinical testing. Allele origin: germline. Affected: yes.
Comment: In silico analysis indicates that this missense variant does not alter protein structure/function; Has not been previously published as pathogenic or benign to our knowledge

Labcorp Genetics (formerly Invitae), Labcorp
Classification: Uncertain significance. Last evaluated: 2024-10-24. Review status: criteria provided, single submitter. Criteria: Invitae Variant Classification Sherloc (09022015). Collection method: clinical testing. Allele origin: germline.
Comment: This sequence change replaces asparagine, which is neutral and polar, with serine, which is neutral and polar, at codon 50 of the TFAP2A protein (p.Asn50Ser). The frequency data for this variant in the population databases is considered unreliable, as metrics indicate poor data quality at this position in the gnomAD database. This variant has not been reported in the literature in individuals affected with TFAP2A-related conditions. ClinVar contains an entry for this variant (Variation ID: 1254071). Invitae Evidence Modeling of protein sequence and biophysical properties (such as structural, functional, and spatial information, amino acid conservation, physicochemical variation, residue mobility, and thermodynamic stability) indicates that this missense variant is not expected to disrupt TFAP2A protein function with a negative predictive value of 80%. In summary, the available evidence is currently insufficient to determine the role of this variant in disease. Therefore, it has been classified as a Variant of Uncertain Significance.